The following is an entry in ClinVar:

NM_000257.4(MYH7):c.5339A>T (p.Glu1780Val)

Gene: MYH7 (myosin heavy chain 7; minus strand). Cytogenetic location: 14q11.2.
Variant type: single nucleotide variant.
Coding change: c.5339A>T on transcript NM_000257.4 (MANE Select); coding-DNA position 5339, A replaced by T.
Protein change: p.Glu1780Val; replaces glutamic acid 1780 with valine.
Molecular consequence: missense variant.
Genome position (GRCh38, 1-based): chr14:23,415,215, T>A on the plus strand (A>T on the coding strand, the complement: MYH7 is on the minus strand). VCF-style: chr14-23415215-T-A. GRCh37 (hg19) VCF-style: chr14-23884424-T-A.
Other names: c.5339A>T, p.Glu1780Val (NM_001407004.1); short protein forms E1780V.
Identifiers: ClinVar variation 1746909 (VCV001746909.2), dbSNP rs1165241588, ClinGen allele CA389035781.
Genomic context (GRCh38, chr14:23,415,215, plus strand): 5'-GCTTCGTCCAGCCGGTGCTGCAGGTCCTTAATGGTCTGTTCCATGTTCTTCTTCATGCGC[T>A]CCAGGTGGGCGCTGGTGTCCTGCTCCTTCTTCAGCTCCTCTGCCATCATGGCGGCCTGTG-3'
Protein context (NP_000248.2, residues 1770-1790): KKEQDTSAHL[Glu1780Val]RMKKNMEQTI

ClinVar aggregate classification (germline): Uncertain significance (1 of 4 stars; one submission).

Conditions:
Cardiovascular phenotype. Identifiers: MedGen CN230736.

Submission:

Ambry Genetics
Classification: Uncertain significance for Cardiovascular phenotype. Last evaluated: 2021-06-25. Review status: criteria provided, single submitter. Criteria: Ambry Variant Classification Scheme 2023. Collection method: clinical testing. Allele origin: germline.
Comment: The p.E1780V variant (also known as c.5339A>T), located in coding exon 35 of the MYH7 gene, results from an A to T substitution at nucleotide position 5339. The glutamic acid at codon 1780 is replaced by valine, an amino acid with dissimilar properties. This amino acid position is conserved. In addition, this alteration is predicted to be deleterious by in silico analysis. Since supporting evidence is limited at this time, the clinical significance of this alteration remains unclear.